The following is an entry in ClinVar:

NM_000093.5(COL5A1):c.3474+7C>T

Gene: COL5A1 (collagen type V alpha 1 chain; plus strand). Cytogenetic location: 9q34.3.
Variant type: single nucleotide variant.
Coding change: c.3474+7C>T on transcript NM_000093.5 (MANE Select); 7 bases into the intron after coding-DNA position 3474, C replaced by T.
Molecular consequence: intron variant.
Genome position (GRCh38, 1-based): chr9:134,809,297, C>T. VCF-style: chr9-134809297-C-T. GRCh37 (hg19) VCF-style: chr9-137701143-C-T.
Other names: p.?; c.3474+7C>T (NM_001278074.1).
Identifiers: ClinVar variation 136879 (VCV000136879.50), dbSNP rs550497696, ClinGen allele CA290255.

ClinVar aggregate classification (germline): Benign/Likely benign. Review status: criteria provided, multiple submitters, no conflicts (2 of 4 stars). 12 submissions from 12 submitters: Benign (5); Likely benign (5). 2 of the submissions do not count toward it. Last evaluated 2026-09-21.

Conditions:
Ehlers-Danlos syndrome, classic type, 1 (EDSCL1). Also called: Ehlers-Danlos syndrome, type 1; Ehlers-Danlos Syndrome, Classic Type, COL5A1-Related; EDS I; EHLERS-DANLOS SYNDROME, GRAVIS TYPE; EHLERS-DANLOS SYNDROME, SEVERE CLASSIC TYPE. Identifiers: MedGen C0268335, MONDO:0019567, OMIM 130000.
Ehlers-Danlos syndrome (EDS). Identifiers: Orphanet 98249, MedGen C0013720, MONDO:0020066.
Ehlers-Danlos syndrome, classic type (cEDS). Identifiers: Orphanet 287, MedGen C4225429, MONDO:0007522.

Allele frequency attached by ClinVar (database versions not stated): 1000 Genomes Project 0.00020; gnomAD 0.00028 and 0.00035; 1000 Genomes Project 30x 0.00031; gnomAD exomes 0.00036 and 0.00058; TOPMed 0.00039; ExAC 0.00067.
gnomAD v4.1: 589 of 1,601,344 alleles (0.037%); highest among the groups gnomAD compares: South Asian, 0.36%; 4 homozygotes.

Submissions (12):

Molecular Diagnostic Laboratory for Inherited Cardiovascular Disease, Montreal Heart Institute
Classification: Benign. Last evaluated: 2026-09-21. Review status: criteria provided, single submitter. Criteria: ACMG Guidelines, 2015. Collection method: clinical testing. Allele origin: germline. Affected: no.

Labcorp Genetics (formerly Invitae), Labcorp
Classification: Benign for Ehlers-Danlos syndrome, classic type, 1. Last evaluated: 2026-02-02. Review status: criteria provided, single submitter. Criteria: Invitae Variant Classification Sherloc (09022015). Collection method: clinical testing. Allele origin: germline.

Mayo Clinic Laboratories, Mayo Clinic
Classification: Likely benign. Last evaluated: 2025-03-03. Review status: criteria provided, single submitter. Criteria: ACMG Guidelines, 2015. Collection method: clinical testing. Allele origin: germline. Observed: 2 variant alleles.
Comment: BS1

CeGaT Center for Human Genetics Tuebingen
Classification: Likely benign. Last evaluated: 2025-02-01. Review status: criteria provided, single submitter. Criteria: CeGaT Center For Human Genetics Tuebingen Variant Classification Criteria Version 2. Collection method: clinical testing. Allele origin: germline. Affected: yes. Observed: 3 variant alleles.
Comment: COL5A1: BS1

Blueprint Genetics
Classification: Likely benign. Last evaluated: 2024-10-14. Review status: criteria provided, single submitter. Criteria: ACMG Guidelines, 2015. Collection method: clinical testing. Allele origin: germline.

Women's Health and Genetics/Laboratory Corporation of America, LabCorp
Classification: Benign. Last evaluated: 2024-10-06. Review status: criteria provided, single submitter. Criteria: LabCorp Variant Classification Summary - May 2015. Collection method: clinical testing. Allele origin: germline.

Genome Diagnostics Laboratory, The Hospital for Sick Children
Classification: Likely benign for Ehlers-Danlos syndrome. Last evaluated: 2021-03-26. Review status: criteria provided, single submitter. Criteria: ACMG Guidelines, 2015. Collection method: clinical testing. Allele origin: germline.

Illumina Laboratory Services, Illumina
Classification: Benign for Ehlers-Danlos syndrome, classic type, 1. Last evaluated: 2018-01-12. Review status: criteria provided, single submitter. Criteria: ICSL Variant Classification Criteria 13 December 2019. Collection method: clinical testing. Allele origin: germline.
Comment: This variant was observed in the ICSL laboratory as part of a predisposition screen in an ostensibly healthy population. It had not been previously curated by ICSL or reported in the Human Gene Mutation Database (HGMD: prior to June 1st, 2018), and was therefore a candidate for classification through an automated scoring system. Utilizing variant allele frequency, disease prevalence and penetrance estimates, and inheritance mode, an automated score was calculated to assess if this variant is too frequent to cause the disease. Based on the score and internal cut-off values, a variant classified as benign is not then subjected to further curation. The score for this variant resulted in a classification of benign for this disease.

Eurofins Ntd Llc (ga)
Classification: Likely benign. Last evaluated: 2015-10-14. Review status: criteria provided, single submitter. Criteria: EGL Classification Definitions 2015. Collection method: clinical testing. Allele origin: germline. Observed: 1 variant allele, 1 heterozygote.

GeneDx
Classification: Benign. Last evaluated: 2013-07-23. Review status: criteria provided, single submitter. Criteria: GeneDx Variant Classification (06012015). Collection method: clinical testing. Allele origin: germline. Affected: yes.
Comment: This variant is considered likely benign or benign based on one or more of the following criteria: it is a conservative change, it occurs at a poorly conserved position in the protein, it is predicted to be benign by multiple in silico algorithms, and/or has population frequency not consistent with disease.

Clinical Genetics DNA and cytogenetics Diagnostics Lab, Erasmus MC, Erasmus Medical Center
Classification: Likely benign. Review status: no assertion criteria provided. Collection method: clinical testing. Allele origin: germline. Affected: yes. Study: VKGL Data-share Consensus. Not counted in ClinVar's aggregate classification.

Genome Diagnostics Laboratory, University Medical Center Utrecht
Classification: Likely benign. Review status: no assertion criteria provided. Collection method: clinical testing. Allele origin: germline. Affected: yes. Study: VKGL Data-share Consensus. Not counted in ClinVar's aggregate classification.